The following is an entry in ClinVar:

ClinVar aggregate classification (germline): Benign. Review status: criteria provided, multiple submitters, no conflicts (2 of 4 stars). 2 submissions from 2 submitters: Benign (2). Last evaluated 2026-01-22.

Conditions:
D-2-hydroxyglutaric aciduria 2 (D2HGA2). Identifiers: Orphanet 79315, MedGen C3150909, MONDO:0013345, OMIM 613657.

Allele frequency attached by ClinVar (database versions not stated): gnomAD exomes 0.00173 and 0.00347; gnomAD 0.00310 and 0.00323; ExAC 0.00321; TOPMed 0.00046; ESP Exome Variant Server 0.00100; 1000 Genomes Project 30x 0.00109; 1000 Genomes Project 0.00140.
gnomAD v4.1: 2,990 of 1,614,006 alleles (0.19%); highest among the groups gnomAD compares: Non-Finnish European, 0.083%; 49 homozygotes.

Submissions (2):

Labcorp Genetics (formerly Invitae), Labcorp
Classification: Benign for D-2-hydroxyglutaric aciduria 2. Last evaluated: 2026-01-22. Review status: criteria provided, single submitter. Criteria: Invitae Variant Classification Sherloc (09022015). Collection method: clinical testing. Allele origin: germline.

CeGaT Center for Human Genetics Tuebingen
Classification: Benign. Last evaluated: 2026-01-01. Review status: criteria provided, single submitter. Criteria: CeGaT Center For Human Genetics Tuebingen Variant Classification Criteria Version 2. Collection method: clinical testing. Allele origin: germline. Affected: yes. Observed: 6 variant alleles.
Comment: IDH2: BS1, BS2

NM_002168.4(IDH2):c.1302C>G (p.Thr434=)

Gene: IDH2 (isocitrate dehydrogenase (NADP(+)) 2; minus strand). Cytogenetic location: 15q26.1.
Variant type: single nucleotide variant.
Coding change: c.1302C>G on transcript NM_002168.4 (MANE Select); coding-DNA position 1302, C replaced by G.
Protein change: p.Thr434=; no amino-acid change (threonine 434 retained).
Molecular consequence: synonymous variant.
Genome position (GRCh38, 1-based): chr15:90,084,323, G>C on the plus strand (C>G on the coding strand, the complement: IDH2 is on the minus strand). VCF-style: chr15-90084323-G-C. GRCh37 (hg19) VCF-style: chr15-90627555-G-C.
Other names: c.1146C>G, p.Thr382= (NM_001289910.1); c.912C>G, p.Thr304= (NM_001290114.2).
Identifiers: ClinVar variation 791742 (VCV000791742.33), dbSNP rs150574164, ClinGen allele CA7732876.
Genomic context (GRCh38, chr15:90,084,323, plus strand): 5'-CCCCTACTGCCTGCCCAGGGCTCTGTCCAGGTTGCTCTTGATGGTGTCGAGGAAGTCCGT[G>C]GTGTTCAGGAAGTGCTCGTTCAGCTTCACACTGCAGAGAGAGCACCACTCACATCAGGGG-3'
Protein context (NP_002159.2, residues 424-444): NVKLNEHFLN[Thr434=]TDFLDTIKSN